The following is an entry in ClinVar:

ClinVar aggregate classification (germline): Uncertain significance. Review status: criteria provided, multiple submitters, no conflicts (2 of 4 stars). 2 submissions from 2 submitters: Uncertain significance (2). Last evaluated 2025-10-15.

Conditions:
SAMD11-related disorder. Also called: SAMD11-related condition.

Allele frequency attached by ClinVar (database versions not stated): ExAC 0.00004; gnomAD exomes 0.00006 and 0.00010; gnomAD 0.00009; TOPMed 0.00011; ESP Exome Variant Server 0.00015.
gnomAD v4.1: 151 of 1,612,374 alleles (0.0094%); highest among the groups gnomAD compares: Non-Finnish European, 0.012%; no homozygotes.

Submissions (2):

PreventionGenetics, part of Exact Sciences
Classification: Uncertain significance for SAMD11-related condition. Last evaluated: 2025-10-15. Review status: criteria provided, single submitter. Criteria: ACMG Guidelines, 2015. Collection method: clinical testing. Allele origin: germline.
Comment: The SAMD11 c.430G>A variant is predicted to result in the amino acid substitution p.Gly144Ser. To our knowledge, this variant has not been reported in the literature. This variant is reported in 0.010% of alleles in individuals of European (Non-Finnish) descent in gnomAD. At this time, the clinical significance of this variant is uncertain due to the absence of conclusive functional and genetic evidence.

Labcorp Genetics (formerly Invitae), Labcorp
Classification: Uncertain significance. Last evaluated: 2022-10-25. Review status: criteria provided, single submitter. Criteria: Invitae Variant Classification Sherloc (09022015). Collection method: clinical testing. Allele origin: germline.
Comment: This sequence change replaces glycine, which is neutral and non-polar, with serine, which is neutral and polar, at codon 144 of the SAMD11 protein (p.Gly144Ser). This variant is present in population databases (rs146347471, gnomAD 0.01%). This variant has not been reported in the literature in individuals affected with SAMD11-related conditions. ClinVar contains an entry for this variant (Variation ID: 1525351). Algorithms developed to predict the effect of missense changes on protein structure and function (SIFT, PolyPhen-2, Align-GVGD) all suggest that this variant is likely to be tolerated. Algorithms developed to predict the effect of sequence changes on RNA splicing suggest that this variant may disrupt the consensus splice site. In summary, the available evidence is currently insufficient to determine the role of this variant in disease. Therefore, it has been classified as a Variant of Uncertain Significance.

NM_001385641.1(SAMD11):c.967G>A (p.Gly323Ser)

Gene: SAMD11 (sterile alpha motif domain containing 11; plus strand). Cytogenetic location: 1p36.33.
Variant type: single nucleotide variant.
Coding change: c.967G>A on transcript NM_001385641.1 (MANE Select); coding-DNA position 967, G replaced by A.
Protein change: p.Gly323Ser; replaces glycine 323 with serine.
Molecular consequence: missense variant.
Genome position (GRCh38, 1-based): chr1:935,896, G>A. VCF-style: chr1-935896-G-A. GRCh37 (hg19) VCF-style: chr1-871276-G-A.
Other names: c.967G>A, p.Gly323Ser (NM_001385640.1); c.430G>A, p.Gly144Ser (NM_152486.4); c.430G>A (NM_152486.2); short protein forms G144S, G323S.
Identifiers: ClinVar variation 1525351 (VCV001525351.4), dbSNP rs146347471, ClinGen allele CA502606.